The following is an entry in ClinVar:

ClinVar aggregate classification (germline): Uncertain significance. Review status: criteria provided, multiple submitters, no conflicts (2 of 4 stars). 2 submissions from 2 submitters: Uncertain significance (2). Last evaluated 2024-07-02.

Conditions:
Myoclonic dystonia 26. Identifiers: MedGen C4225341, MONDO:0014620, OMIM 616398.
Inborn genetic diseases. Identifiers: MedGen C0950123, MeSH D030342.

Allele frequency attached by ClinVar (database versions not stated): gnomAD 0.00001; gnomAD exomes 0.00001; TOPMed 0.00001; ExAC 0.00002; ESP Exome Variant Server 0.00008.

Submissions (2):

Ambry Genetics
Classification: Uncertain significance for Inborn genetic diseases. Last evaluated: 2024-07-02. Review status: criteria provided, single submitter. Criteria: Ambry Variant Classification Scheme 2023. Collection method: clinical testing. Allele origin: germline.

Labcorp Genetics (formerly Invitae), Labcorp
Classification: Uncertain significance for Myoclonic dystonia 26. Last evaluated: 2022-03-12. Review status: criteria provided, single submitter. Criteria: Invitae Variant Classification Sherloc (09022015). Collection method: clinical testing. Allele origin: germline.
Comment: This variant is present in population databases (rs377601872, gnomAD 0.002%). This sequence change replaces alanine, which is neutral and non-polar, with threonine, which is neutral and polar, at codon 305 of the KCTD17 protein (p.Ala305Thr). This variant has not been reported in the literature in individuals affected with KCTD17-related conditions. In summary, the available evidence is currently insufficient to determine the role of this variant in disease. Therefore, it has been classified as a Variant of Uncertain Significance. Algorithms developed to predict the effect of missense changes on protein structure and function are either unavailable or do not agree on the potential impact of this missense change (SIFT: "Deleterious"; PolyPhen-2: "Benign"; Align-GVGD: "Class C0").

NM_001282684.2(KCTD17):c.892G>A (p.Ala298Thr)

Gene: KCTD17 (potassium channel tetramerization domain containing 17; plus strand). Cytogenetic location: 22q12.3.
Variant type: single nucleotide variant.
Coding change: c.892G>A on transcript NM_001282684.2 (MANE Select); coding-DNA position 892, G replaced by A.
Protein change: p.Ala298Thr; replaces alanine 298 with threonine.
Molecular consequence: missense variant. On other transcripts: 3 prime UTR variant (1).
Genome position (GRCh38, 1-based): chr22:37,062,541, G>A. VCF-style: chr22-37062541-G-A. GRCh37 (hg19) VCF-style: chr22-37458581-G-A.
Other names: c.*63G>A (NM_001282685.2); c.629G>A, p.Gly210Asp (NM_001282686.2); c.820G>A, p.Ala274Thr (NM_024681.4); c.841G>A (NM_024681.2); short protein forms A298T, G210D, A274T.
Identifiers: ClinVar variation 2151438 (VCV002151438.5), dbSNP rs377601872, ClinGen allele CA10215199.